The following is an entry in ClinVar:

ClinVar aggregate classification (germline): Uncertain significance (1 of 4 stars; one submission).

Conditions:
PLXNA4-related disorder. Also called: PLXNA4-related condition.

Submission:

PreventionGenetics, part of Exact Sciences
Classification: Uncertain significance for PLXNA4-related condition. Last evaluated: 2025-01-04. Review status: criteria provided, single submitter. Criteria: ACMG Guidelines, 2015. Collection method: clinical testing. Allele origin: germline.
Comment: The PLXNA4 c.1872C>G variant is predicted to result in the amino acid substitution p.Ile624Met. To our knowledge, this variant has not been reported in the literature or in a large population database (gnomAD), indicating this variant is rare. At this time, the clinical significance of this variant is uncertain due to the absence of conclusive functional and genetic evidence.

NM_020911.2(PLXNA4):c.1872C>G (p.Ile624Met)

Gene: PLXNA4 (plexin A4; minus strand). Cytogenetic location: 7q32.3.
Variant type: single nucleotide variant.
Coding change: c.1872C>G on transcript NM_020911.2 (MANE Select); coding-DNA position 1872, C replaced by G.
Protein change: p.Ile624Met; replaces isoleucine 624 with methionine.
Molecular consequence: missense variant.
Genome position (GRCh38, 1-based): chr7:132,227,461, G>C on the plus strand (C>G on the coding strand, the complement: PLXNA4 is on the minus strand). VCF-style: chr7-132227461-G-C. GRCh37 (hg19) VCF-style: chr7-131912220-G-C.
Other names: c.1872C>G, p.Ile624Met (NM_001393897.1); short protein forms I624M.
Identifiers: ClinVar variation 4988998 (VCV004988998.1).
Genomic context (GRCh38, chr7:132,227,461, plus strand): 5'-TCTAGCCAGGAGGAAGAAGTGCCACTCAGCTGTGCCTCCGGGATGCTCACCATTCTCTGT[G>C]ATGATCCGGGGCACCTCCTTGGCTGCAGGGGAGTAGCACTGGATCTGATTGCCCACGACC-3'
Protein context (NP_065962.1, residues 614-634): SPAAKEVPRI[Ile624Met]TENGDHHVVQ